The following is an entry in ClinVar:

ClinVar aggregate classification (germline): Pathogenic/Likely pathogenic. Review status: criteria provided, multiple submitters, no conflicts (2 of 4 stars). 3 submissions from 3 submitters: Pathogenic (1); Likely pathogenic (2). Last evaluated 2025-10-11.

Conditions:
Tay-Sachs disease (TSD). Also called: HEXA DEFICIENCY; GM2 gangliosidosis, type 1; Hexosaminidase alpha-subunit deficiency (variant B); Sphingolipidosis, Tay-Sachs; HEXA Disorders; Hexosaminidase A Deficiency. Identifiers: Orphanet 845, MedGen C0039373, MONDO:0010100, OMIM 272800.

Submissions (3):

Natera, Inc.
Classification: Likely pathogenic for Tay-Sachs disease. Last evaluated: 2025-10-11. Review status: criteria provided, single submitter. Criteria: Natera Variant Classification Schema (03/2026). Collection method: clinical testing. Allele origin: germline.
Comment: The c.1183delG variant in HEXA is a frameshift variant predicted to shift the reading frame beginning at codon 395 and leads to a stop codon 4 codons downstream. This variant is expected to result in nonsense mediated decay, truncation, or a dysfunctional protein product. This variant is rare in the general population with a frequency below the threshold expected for the associated phenotype(s). Given the available evidence, this variant is classified as Likely Pathogenic.

Labcorp Genetics (formerly Invitae), Labcorp
Classification: Pathogenic for Tay-Sachs disease. Last evaluated: 2023-12-19. Review status: criteria provided, single submitter. Criteria: Invitae Variant Classification Sherloc (09022015). Collection method: clinical testing. Allele origin: germline.
Comment: This sequence change creates a premature translational stop signal (p.Asp395Ilefs*4) in the HEXA gene. It is expected to result in an absent or disrupted protein product. Loss-of-function variants in HEXA are known to be pathogenic (PMID: 1833974, 8490625). This variant is present in population databases (rs770303210, gnomAD 0.0009%). This variant has not been reported in the literature in individuals affected with HEXA-related conditions. ClinVar contains an entry for this variant (Variation ID: 917630). For these reasons, this variant has been classified as Pathogenic.

Women's Health and Genetics/Laboratory Corporation of America, LabCorp
Classification: Likely pathogenic for Tay-Sachs disease. Last evaluated: 2023-02-22. Review status: criteria provided, single submitter. Criteria: LabCorp Variant Classification Summary - May 2015. Collection method: clinical testing. Allele origin: germline.
Comment: Variant summary: HEXA c.1183delG (p.Asp395IlefsX4) results in a premature termination codon, predicted to cause a truncation of the encoded protein or absence of the protein due to nonsense mediated decay, which are commonly known mechanisms for disease. Truncations downstream of this position have been classified as pathogenic by our laboratory. The variant allele was found at a frequency of 4e-06 in 251482 control chromosomes. c.1183delG has been reported in the literature in an individual who was undergoing a Tay-Sachs carrier screening program (Tomczak_1994). To our knowledge, no experimental evidence demonstrating an impact on protein function has been reported. Two clinical diagnostic laboratories have submitted clinical-significance assessments for this variant to ClinVar after 2014, classifying the variant as pathogenic/likely pathogenic. Based on the evidence outlined above, the variant was classified as likely pathogenic.

Literature cited by the submitters: PubMed 1833974 (cited by Labcorp Genetics (formerly Invitae), Labcorp); PubMed 8490625 (cited by Labcorp Genetics (formerly Invitae), Labcorp); PubMed 7951261 (cited by Women's Health and Genetics/Laboratory Corporation of America, LabCorp).

NM_000520.6(HEXA):c.1183del (p.Asp395fs)

Gene: HEXA (hexosaminidase subunit alpha; minus strand). Cytogenetic location: 15q23.
Variant type: Deletion.
Coding change: c.1183del on transcript NM_000520.6 (MANE Select); coding-DNA position 1183, one base deleted (G; older notation c.1183delG).
Protein change: p.Asp395fs; shifts the reading frame from aspartic acid 395.
Molecular consequence: frameshift variant.
Genome position (GRCh38, 1-based): chr15:72,346,674, C deleted on the plus strand (G on the coding strand, the reverse complement: HEXA is on the minus strand); the first of 2 consecutive C bases (chr15:72,346,674-72,346,675); deleting either gives the same sequence. VCF-style (leftmost placement, unchanged base first): chr15-72346673-TC-T. GRCh37 (hg19) VCF-style: chr15-72639014-TC-T.
Other names: c.1216del, p.Asp406fs (NM_001318825.2); short protein forms D395fs, D406fs.
Identifiers: ClinVar variation 917630 (VCV000917630.11), dbSNP rs770303210, ClinGen allele CA7644762.